The following is an entry in ClinVar:

NM_001358530.2(MOCS1):c.36G>C (p.Arg12=)

Gene: MOCS1 (molybdenum cofactor synthesis 1; minus strand). Cytogenetic location: 6p21.2.
Variant type: single nucleotide variant.
Coding change: c.36G>C on transcript NM_001358530.2 (MANE Select); coding-DNA position 36, G replaced by C.
Protein change: p.Arg12=; no amino-acid change (arginine 12 retained).
Molecular consequence: synonymous variant. On other transcripts: 5 prime UTR variant (2), non-coding transcript variant (1).
Genome position (GRCh38, 1-based): chr6:39,934,382, C>G on the plus strand (G>C on the coding strand, the complement: MOCS1 is on the minus strand). VCF-style: chr6-39934382-C-G. GRCh37 (hg19) VCF-style: chr6-39902121-C-G.
Other names: c.36G>C, p.Arg12= (NM_001075098.4, NM_001358529.2); c.-99G>C (NM_001358531.2, NM_001358533.2).
Identifiers: ClinVar variation 1936799 (VCV001936799.5), dbSNP rs1194576122, ClinGen allele CA450181074.

ClinVar aggregate classification (germline): Uncertain significance (1 of 4 stars; one submission).

Conditions:
Sulfite oxidase deficiency due to molybdenum cofactor deficiency type A. Also called: Molybdenum cofactor deficiency, complementation group A; Molybdenum Cofactor Deficiency A. Identifiers: Orphanet 308386, Orphanet 833, MedGen C1854988, MONDO:0009643, OMIM 252150.

Allele frequency attached by ClinVar (database versions not stated): gnomAD 0.00001.
gnomAD v4.1: 4 of 1,561,052 alleles (0.00026%); highest among the groups gnomAD compares: African/African-American, 0.0054%; no homozygotes.

Submission:

Labcorp Genetics (formerly Invitae), Labcorp
Classification: Uncertain significance for Sulfite oxidase deficiency due to molybdenum cofactor deficiency type A. Last evaluated: 2022-07-06. Review status: criteria provided, single submitter. Criteria: Invitae Variant Classification Sherloc (09022015). Collection method: clinical testing. Allele origin: germline.
Comment: This variant has not been reported in the literature in individuals affected with MOCS1-related conditions. This variant is not present in population databases (gnomAD no frequency). This sequence change affects codon 12 of the MOCS1 mRNA. It is a 'silent' change, meaning that it does not change the encoded amino acid sequence of the MOCS1 protein. In summary, the available evidence is currently insufficient to determine the role of this variant in disease. Therefore, it has been classified as a Variant of Uncertain Significance.